The following is an entry in ClinVar:

ClinVar aggregate classification (germline): Pathogenic. Review status: criteria provided, multiple submitters, no conflicts (2 of 4 stars). 11 submissions from 10 submitters: Pathogenic (5). 6 of the submissions do not count toward it. Last evaluated 2022-07-26.

Conditions:
EGR2-related disorders.
Charcot-Marie-Tooth disease. Also called: Charcot-Marie-Tooth Neuropathy; Charcot-Marie-Tooth Hereditary Neuropathy. Identifiers: Orphanet 166, MedGen C0007959, MONDO:0015626.
Charcot-Marie-Tooth disease, type I (CMT1). Also called: Charcot-Marie-Tooth, Type 1; Charcot-Marie-Tooth disease type 1. Identifiers: Orphanet 65753, MedGen C0751036, MONDO:0019011.
Charcot-Marie-Tooth disease type 1D. Also called: CHARCOT-MARIE-TOOTH NEUROPATHY, TYPE 1D; HEREDITARY MOTOR AND SENSORY NEUROPATHY 1D; HMSN ID; Charcot-Marie-Tooth disease, demyelinating, type 1d. Identifiers: Orphanet 101084, MedGen C1843247, MONDO:0011890, OMIM 607678.
Dejerine-sottas neuropathy, autosomal dominant. Identifiers: MedGen C4016028.
Dejerine-Sottas disease. Also called: Hereditary motor and sensory neuropathy 3; DEJERINE-SOTTAS NEUROPATHY; HEREDITARY MOTOR AND SENSORY NEUROPATHY TYPE III; Charcot-Marie-Tooth disease type 3; HMSN Type III. Identifiers: Orphanet 64748, MedGen C0011195, MONDO:0007790, OMIM 145900.

Submissions (11):

Labcorp Genetics (formerly Invitae), Labcorp
Classification: Pathogenic for Charcot-Marie-Tooth disease, type I. Last evaluated: 2022-07-26. Review status: criteria provided, single submitter. Criteria: Invitae Variant Classification Sherloc (09022015). Collection method: clinical testing. Allele origin: germline.
Comment: This sequence change replaces arginine, which is basic and polar, with tryptophan, which is neutral and slightly polar, at codon 359 of the EGR2 protein (p.Arg359Trp). For these reasons, this variant has been classified as Pathogenic. This variant disrupts the p.Arg359 amino acid residue in EGR2. Other variant(s) that disrupt this residue have been determined to be pathogenic (PMID: 16198564). This suggests that this residue is clinically significant, and that variants that disrupt this residue are likely to be disease-causing. Experimental studies have shown that this missense change affects EGR2 function (PMID: 10369870, 17717711). Algorithms developed to predict the effect of missense changes on protein structure and function (SIFT, PolyPhen-2, Align-GVGD) all suggest that this variant is likely to be disruptive. ClinVar contains an entry for this variant (Variation ID: 16752). This missense change has been observed in individual(s) with Dejerine-Sottas syndrome (DSS) or Charcot-Marie-Tooth disease type 1 (PMID: 10371530, 11523566, 15947997, 27159987). In at least one individual the variant was observed to be de novo. This variant is not present in population databases (gnomAD no frequency).

GeneDx
Classification: Pathogenic. Last evaluated: 2021-12-07. Review status: criteria provided, single submitter. Criteria: GeneDx Variant Classification Process June 2021. Collection method: clinical testing. Allele origin: germline. Affected: yes.
Comment: Published functional studies demonstrate a reduced DNA binding affinity, altered DNA binding specificity and decreased transcriptional activity (Sevilla et al., 2015; Barrera et al., 2016; Warner et al., 1999); Not observed at significant frequency in large population cohorts (gnomAD); In silico analysis supports that this missense variant has a deleterious effect on protein structure/function; This variant is associated with the following publications: (PMID: 10371530, 21840889, 15947997, 27013732, 26204789, 27159987, 16775366, 10369870)

Institute of Medical Genetics and Applied Genomics, University Hospital Tübingen
Classification: Pathogenic. Last evaluated: 2020-10-23. Review status: criteria provided, single submitter. Criteria: ACMG Guidelines, 2015. Collection method: clinical testing. Allele origin: germline. Inheritance: Unknown mechanism. Affected: yes.

Blueprint Genetics
Classification: Pathogenic for EGR2-related disorders. Last evaluated: 2018-02-20. Review status: criteria provided, single submitter. Criteria: ACMG Guidelines, 2015. Collection method: clinical testing. Allele origin: germline. Affected: yes. Observed: 1 variant allele.

Institute of Human Genetics Munich, TUM University Hospital
Classification: Pathogenic for Dejerine-Sottas disease. Last evaluated: 2017-12-19. Review status: criteria provided, single submitter. Criteria: Classification criteria August 2017. Collection method: clinical testing. Allele origin: de novo. Inheritance: Autosomal dominant inheritance. Affected: yes. Observed: 1 heterozygote.

Genesis Genome Database
Classification: Uncertain significance for Charcot-Marie-Tooth disease. Last evaluated: 2019-08-14. Review status: no assertion criteria provided. Collection method: research. Allele origin: germline. Affected: yes. Not counted in ClinVar's aggregate classification.

Inherited Neuropathy Consortium Ii, University Of Miami
Classification: Uncertain significance for Dejerine-Sottas disease. Last evaluated: 2016-01-06. Review status: no assertion criteria provided. Collection method: literature only. Allele origin: germline. Affected: yes. Not counted in ClinVar's aggregate classification.

OMIM
Classification: Pathogenic for DEJERINE-SOTTAS NEUROPATHY, AUTOSOMAL DOMINANT. Last evaluated: 2005-09-01. Review status: no assertion criteria provided. Collection method: literature only. Allele origin: germline. Not counted in ClinVar's aggregate classification.

OMIM
Classification: Pathogenic for CHARCOT-MARIE-TOOTH DISEASE, DEMYELINATING, TYPE 1D. Last evaluated: 2005-09-01. Review status: no assertion criteria provided. Collection method: literature only. Allele origin: germline. Not counted in ClinVar's aggregate classification.

GeneReviews
No classification provided. Condition: Dejerine-Sottas disease. Review status: no classification provided. Collection method: literature only. Allele origin: unknown. Not counted in ClinVar's aggregate classification.

Inherited Neuropathy Consortium
Classification: Uncertain significance for Dejerine-Sottas disease. Review status: no assertion criteria provided. Collection method: literature only. Allele origin: germline. Affected: yes. Not counted in ClinVar's aggregate classification.

Literature cited by the submitters: PubMed 16198564 (cited by Labcorp Genetics (formerly Invitae), Labcorp); PubMed 10369870 (cited by Labcorp Genetics (formerly Invitae), Labcorp and OMIM); PubMed 17717711 (cited by Labcorp Genetics (formerly Invitae), Labcorp); PubMed 10371530 (cited by Labcorp Genetics (formerly Invitae), Labcorp); PubMed 11523566 (cited by Labcorp Genetics (formerly Invitae), Labcorp and OMIM); PubMed 15947997 (cited by 4 submitters); PubMed 27159987 (cited by Labcorp Genetics (formerly Invitae), Labcorp); PubMed 20301384 (cited by GeneReviews); NCBI Bookshelf NBK1205 (cited by GeneReviews).

NM_000399.5(EGR2):c.1075C>T (p.Arg359Trp)

Gene: EGR2 (early growth response 2; minus strand). Cytogenetic location: 10q21.3.
Variant type: single nucleotide variant.
Coding change: c.1075C>T on transcript NM_000399.5 (MANE Select); coding-DNA position 1075, C replaced by T.
Protein change: p.Arg359Trp; replaces arginine 359 with tryptophan.
Molecular consequence: missense variant.
Genome position (GRCh38, 1-based): chr10:62,813,563, G>A on the plus strand (C>T on the coding strand, the complement: EGR2 is on the minus strand). VCF-style: chr10-62813563-G-A. GRCh37 (hg19) VCF-style: chr10-64573323-G-A.
Other names: c.1075C>T, p.Arg359Trp (NM_001136177.3, NM_001136178.2); c.925C>T, p.Arg309Trp (NM_001136179.3, NM_001321037.2); short protein forms R359W, R309W.
Identifiers: ClinVar variation 16752 (VCV000016752.21), dbSNP rs104894161, ClinGen allele CA126845.